The following is an entry in ClinVar:

ClinVar aggregate classification (germline): Uncertain significance (1 of 4 stars; one submission).

Conditions:
Neuropathy, hereditary sensory and autonomic, type 2A (HSAN2A). Also called: ACROOSTEOLYSIS, GIACCAI TYPE; ACROOSTEOLYSIS, NEUROGENIC; WNK1-Related HSAN2 (HSAN2A); NEUROPATHY, HEREDITARY SENSORY RADICULAR, AUTOSOMAL RECESSIVE; MORVAN DISEASE; NEUROPATHY, CONGENITAL SENSORY. Identifiers: Orphanet 970, MedGen C2752089, MONDO:0024309, OMIM 201300.
Generalized epilepsy with febrile seizures plus, type 7 (GEFSP7). Also called: GEFS+, TYPE 7. Identifiers: Orphanet 36387, MedGen C2751778, MONDO:0013470, OMIM 613863.

Submission:

Labcorp Genetics (formerly Invitae), Labcorp
Classification: Uncertain significance for Neuropathy, hereditary sensory and autonomic, type 2A; Generalized epilepsy with febrile seizures plus, type 7. Last evaluated: 2025-08-04. Review status: criteria provided, single submitter. Criteria: Invitae Variant Classification Sherloc (09022015). Collection method: clinical testing. Allele origin: germline.
Comment: This sequence change replaces isoleucine, which is neutral and non-polar, with methionine, which is neutral and non-polar, at codon 1601 of the SCN9A protein (p.Ile1601Met). This variant is not present in population databases (gnomAD no frequency). This variant has not been reported in the literature in individuals affected with SCN9A-related conditions. Invitae Evidence Modeling of protein sequence and biophysical properties (such as structural, functional, and spatial information, amino acid conservation, physicochemical variation, residue mobility, and thermodynamic stability) has been performed for this missense variant. However, the output from this modeling did not meet the statistical confidence thresholds required to predict the impact of this variant on SCN9A protein function. In summary, the available evidence is currently insufficient to determine the role of this variant in disease. Therefore, it has been classified as a Variant of Uncertain Significance.

NM_001365536.1(SCN9A):c.4836C>G (p.Ile1612Met)

Genes: SCN9A (sodium voltage-gated channel alpha subunit 9; minus strand), SCN1A-AS1 (SCN1A and SCN9A antisense RNA 1; plus strand). Cytogenetic location: 2q24.3.
Variant type: single nucleotide variant.
Coding change: c.4836C>G on transcript NM_001365536.1 (MANE Select); coding-DNA position 4836, C replaced by G.
Protein change: p.Ile1612Met; replaces isoleucine 1612 with methionine.
Molecular consequence: missense variant. On other transcripts: non-coding transcript variant (1).
Genome position (GRCh38, 1-based): chr2:166,199,803, G>C on the plus strand (C>G on the coding strand, the complement: SCN9A is on the minus strand). VCF-style: chr2-166199803-G-C. GRCh37 (hg19) VCF-style: chr2-167056313-G-C.
Other names: c.4803C>G, p.Ile1601Met (NM_002977.4); short protein forms I1601M, I1612M.
Identifiers: ClinVar variation 4783378 (VCV004783378.1).